The following is an entry in ClinVar:

NM_032578.4(MYPN):c.1961C>T (p.Ala654Val)

Gene: MYPN (myopalladin; plus strand). Cytogenetic location: 10q21.3.
Variant type: single nucleotide variant.
Coding change: c.1961C>T on transcript NM_032578.4 (MANE Select); coding-DNA position 1961, C replaced by T.
Protein change: p.Ala654Val; replaces alanine 654 with valine.
Molecular consequence: missense variant. On other transcripts: non-coding transcript variant (2).
Genome position (GRCh38, 1-based): chr10:68,166,654, C>T. VCF-style: chr10-68166654-C-T. GRCh37 (hg19) VCF-style: chr10-69926411-C-T.
Other names: c.1961C>T, p.Ala654Val (NM_001256267.2); c.1079C>T, p.Ala360Val (NM_001256268.2); short protein forms A654V, A360V.
Identifiers: ClinVar variation 3916686 (VCV003916686.1).
Genomic context (GRCh38, chr10:68,166,654, plus strand): 5'-GACAGGCAACAAAAACCCCAGAGCCTTCTTCCCCCGTGAAAGAGCCCCCTCCAGTTCTGG[C>T]CAAACCCAAACTGTAAGTAAAAAGTAGGATGAATAACCAGGAGCTTCTGTGATCTTTTCT-3'
Protein context (NP_115967.2, residues 644-664): SPVKEPPPVL[Ala654Val]KPKLDSTQLQ

ClinVar aggregate classification (germline): Uncertain significance (1 of 4 stars; one submission).

Conditions:
Cardiovascular phenotype. Identifiers: MedGen CN230736.

Submission:

Ambry Genetics
Classification: Uncertain significance for Cardiovascular phenotype. Last evaluated: 2025-03-31. Review status: criteria provided, single submitter. Criteria: Ambry Variant Classification Scheme 2023. Collection method: clinical testing. Allele origin: germline.
Comment: The p.A654V variant (also known as c.1961C>T), located in coding exon 9 of the MYPN gene, results from a C to T substitution at nucleotide position 1961. The alanine at codon 654 is replaced by valine, an amino acid with similar properties. This amino acid position is conserved. In addition, the in silico prediction for this alteration is inconclusive. Based on the available evidence, the clinical significance of this variant remains unclear.